The following is an entry in ClinVar:

ClinVar aggregate classification (germline): Pathogenic (1 of 4 stars; one submission).

Conditions:
Osteogenesis imperfecta type 8 (OI8). Identifiers: MedGen C1970458, MONDO:0012581, OMIM 610915.

Submission:

Labcorp Genetics (formerly Invitae), Labcorp
Classification: Pathogenic for Osteogenesis imperfecta type 8. Last evaluated: 2023-08-19. Review status: criteria provided, single submitter. Criteria: Invitae Variant Classification Sherloc (09022015). Collection method: clinical testing. Allele origin: germline.
Comment: This variant is not present in population databases (gnomAD no frequency). For these reasons, this variant has been classified as Pathogenic. Algorithms developed to predict the effect of sequence changes on RNA splicing suggest that this variant may disrupt the consensus splice site. This variant has not been reported in the literature in individuals affected with P3H1-related conditions. This sequence change creates a premature translational stop signal (p.Gln150*) in the P3H1 gene. It is expected to result in an absent or disrupted protein product. Loss-of-function variants in P3H1 are known to be pathogenic (PMID: 17277775, 18566967, 19088120, 22281939).

Literature cited by the submitters: PubMed 17277775; PubMed 18566967; PubMed 19088120; PubMed 22281939.

NM_022356.4(P3H1):c.448C>T (p.Gln150Ter)

Gene: P3H1 (prolyl 3-hydroxylase 1; minus strand). Cytogenetic location: 1p34.2.
Variant type: single nucleotide variant.
Coding change: c.448C>T on transcript NM_022356.4 (MANE Select); coding-DNA position 448, C replaced by T.
Protein change: p.Gln150Ter; replaces glutamine 150 with a stop codon.
Molecular consequence: nonsense.
Genome position (GRCh38, 1-based): chr1:42,766,524, G>A on the plus strand (C>T on the coding strand, the complement: P3H1 is on the minus strand). VCF-style: chr1-42766524-G-A. GRCh37 (hg19) VCF-style: chr1-43232195-G-A.
Other names: c.448C>T, p.Gln150Ter (NM_001146289.2, NM_001243246.2); short protein forms Q150*.
Identifiers: ClinVar variation 2752088 (VCV002752088.3), dbSNP rs1383503951, ClinGen allele CA339963411.